The following is an entry in ClinVar:

ClinVar aggregate classification (germline): Pathogenic. Review status: reviewed by expert panel (3 of 4 stars). 5 submissions from 5 submitters: Pathogenic (1). 4 of the submissions do not count toward it. Last evaluated 2016-04-03.

Conditions:
Hereditary breast ovarian cancer syndrome. Also called: Breast and ovarian cancer; Hereditary breast and ovarian cancer; Hereditary breast and ovarian cancer syndrome; Hereditary breast and/or ovarian cancer syndrome; BRCA1- and BRCA2-Associated Hereditary Breast and Ovarian Cancer; Hereditary breast and ovarian cancer syndrome (HBOC). Identifiers: Orphanet 145, MedGen C0677776, MeSH D061325, MONDO:0003582. Disease mechanism: loss of function.
Breast-ovarian cancer, familial, susceptibility to, 1 (BROVCA1). Also called: BRCA1 Hereditary Breast and Ovarian Cancer; OVARIAN CANCER, SUSCEPTIBILITY TO. Identifiers: Orphanet 145, MedGen C2676676, MONDO:0011450, OMIM 604370. Disease mechanism: loss of function.

Submissions (5):

Evidence-based Network for the Interpretation of Germline Mutant Alleles (ENIGMA)
Classification: Pathogenic for Breast-ovarian cancer, familial, susceptibility to, 1. Last evaluated: 2016-04-03. Review status: reviewed by expert panel. Criteria: ENIGMA BRCA1/2 Classification Criteria (2015). Collection method: curation. Allele origin: germline.
Comment: Allele-specific assay on patient-derived mRNA demonstrated that the variant allele produces only predicted non-functional transcripts. Variant allele produces r.5278_5332del and r.5278_5285del transcripts (encoding predicted non-functional proteins).

Clinical Genetics Laboratory, Skane University Hospital Lund
Classification: Pathogenic. Last evaluated: 2023-10-02. Review status: criteria provided, single submitter. Criteria: ACMG Guidelines, 2015. Collection method: clinical testing. Allele origin: germline. Affected: yes. Not counted in ClinVar's aggregate classification.

Labcorp Genetics (formerly Invitae), Labcorp
Classification: Pathogenic for Hereditary breast ovarian cancer syndrome. Last evaluated: 2020-09-17. Review status: criteria provided, single submitter. Criteria: Invitae Variant Classification Sherloc (09022015). Collection method: clinical testing. Allele origin: germline. Not counted in ClinVar's aggregate classification.
Comment: This variant has been observed in several individuals with a personal or family history of breast or ovarian cancer (PMID: 23451180, 30430080). This variant is also known as IVS20-2delA in the literature. ClinVar contains an entry for this variant (Variation ID: 236262). This variant is not present in population databases (ExAC no frequency). This sequence change affects an acceptor splice site in intron 19 of the BRCA1 gene. It is expected to disrupt RNA splicing and likely results in an absent or disrupted protein product. Experimental studies have shown that this variant disrupts mRNA splicing (PMID: 23451180). For these reasons, this variant has been classified as Pathogenic. Donor and acceptor splice site variants typically lead to a loss of protein function (PMID: 16199547), and loss-of-function variants in BRCA1 are known to be pathogenic (PMID: 20104584).

Consortium of Investigators of Modifiers of BRCA1/2 (CIMBA), c/o University of Cambridge
Classification: Pathogenic for Breast-ovarian cancer, familial, susceptibility to, 1. Last evaluated: 2015-10-02. Review status: criteria provided, single submitter. Criteria: CIMBA Mutation Classification guidelines May 2016. Collection method: clinical testing. Allele origin: germline. Not counted in ClinVar's aggregate classification.

BRCAlab, Lund University
Classification: Pathogenic for Breast-ovarian cancer, familial, susceptibility to, 1. Last evaluated: 2020-03-02. Review status: no assertion criteria provided. Collection method: clinical testing. Allele origin: germline. Affected: yes. Not counted in ClinVar's aggregate classification.

Literature cited by the submitters: PubMed 23451180 (cited by Evidence-based Network for the Interpretation of Germline Mutant Alleles (ENIGMA) and Labcorp Genetics (formerly Invitae), Labcorp); PubMed 30430080 (cited by Labcorp Genetics (formerly Invitae), Labcorp); PubMed 16199547 (cited by Labcorp Genetics (formerly Invitae), Labcorp); PubMed 20104584 (cited by Labcorp Genetics (formerly Invitae), Labcorp).

NM_007294.4(BRCA1):c.5278-2del

Gene: BRCA1 (BRCA1 DNA repair associated; minus strand). Cytogenetic location: 17q21.31.
Variant type: Deletion.
Coding change: c.5278-2del on transcript NM_007294.4 (MANE Select); the canonical splice acceptor site of the intron before coding-DNA position 5278, one base deleted (A; older notation c.5278-2delA).
Molecular consequence: splice acceptor variant. On other transcripts: intron variant (2).
Genome position (GRCh38, 1-based): chr17:43,051,119, T deleted on the plus strand (A on the coding strand, the reverse complement: BRCA1 is on the minus strand). VCF-style (leftmost placement, unchanged base first): chr17-43051118-CT-C. GRCh37 (hg19) VCF-style: chr17-41203135-CT-C.
Other names: IVS20-2delA; c.5134-2del (NM_001407741.1, NM_001407749.1, NM_001407943.1 and 21 more transcripts); c.1888-2del (NM_001408415.1, NM_001408413.1, NM_001408416.1 and 2 more transcripts); c.1756-2del (NM_001408483.1, NM_001408490.1, NM_001408489.1 and 5 more transcripts); c.5272-2del (NM_001407634.1, NM_001407627.1, NM_001407861.1 and 14 more transcripts); c.5275-2del (NM_001407610.1, NM_001407621.1, NM_001407614.1 and 17 more transcripts); c.1843-2del (NM_001408442.1, NM_001408444.1, NM_001408438.1 and 10 more transcripts); c.1846-2del (NM_001408426.1, NM_001408430.1, NM_001408427.1 and 4 more transcripts); and 75 more.
Identifiers: ClinVar variation 236262 (VCV000236262.14), dbSNP rs878853285, ClinGen allele CA10581596.